The following is an entry in ClinVar:

NM_144687.4(NLRP12):c.1988T>C (p.Leu663Pro)

Gene: NLRP12 (NLR family pyrin domain containing 12; minus strand). Cytogenetic location: 19q13.42.
Variant type: single nucleotide variant.
Coding change: c.1988T>C on transcript NM_144687.4 (MANE Select); coding-DNA position 1988, T replaced by C.
Protein change: p.Leu663Pro; replaces leucine 663 with proline.
Molecular consequence: missense variant.
Genome position (GRCh38, 1-based): chr19:53,809,671, A>G on the plus strand (T>C on the coding strand, the complement: NLRP12 is on the minus strand). VCF-style: chr19-53809671-A-G. GRCh37 (hg19) VCF-style: chr19-54312925-A-G.
Other names: c.1988T>C, p.Leu663Pro (NM_001277126.2, NM_001277129.1); short protein forms L663P.
Identifiers: ClinVar variation 2998712 (VCV002998712.3), dbSNP rs2092026448, ClinGen allele CA407411713.

ClinVar aggregate classification (germline): Uncertain significance (1 of 4 stars; one submission).

Conditions:
Familial cold autoinflammatory syndrome 2 (FCAS2). Identifiers: Orphanet 247868, MedGen C2673198, MONDO:0012724, OMIM 611762.

Allele frequency attached by ClinVar (database versions not stated): gnomAD exomes below 0.00001.
gnomAD v4.1: 1 of 1,614,068 alleles (0.000062%); highest among the groups gnomAD compares: Non-Finnish European, 0.000085%; no homozygotes.

Submission:

Labcorp Genetics (formerly Invitae), Labcorp
Classification: Uncertain significance for Familial cold autoinflammatory syndrome 2. Last evaluated: 2024-11-30. Review status: criteria provided, single submitter. Criteria: Invitae Variant Classification Sherloc (09022015). Collection method: clinical testing. Allele origin: germline.
Comment: This sequence change replaces leucine, which is neutral and non-polar, with proline, which is neutral and non-polar, at codon 663 of the NLRP12 protein (p.Leu663Pro). This variant is not present in population databases (gnomAD no frequency). This variant has not been reported in the literature in individuals affected with NLRP12-related conditions. ClinVar contains an entry for this variant (Variation ID: 2998712). Invitae Evidence Modeling of protein sequence and biophysical properties (such as structural, functional, and spatial information, amino acid conservation, physicochemical variation, residue mobility, and thermodynamic stability) indicates that this missense variant is expected to disrupt NLRP12 protein function with a positive predictive value of 80%. In summary, the available evidence is currently insufficient to determine the role of this variant in disease. Therefore, it has been classified as a Variant of Uncertain Significance.